The following is an entry in ClinVar:

ClinVar aggregate classification (germline): Pathogenic (1 of 4 stars; one submission).

Submission:

Labcorp Genetics (formerly Invitae), Labcorp
Classification: Pathogenic. Last evaluated: 2023-11-10. Review status: criteria provided, single submitter. Criteria: Invitae Variant Classification Sherloc (09022015). Collection method: clinical testing. Allele origin: germline.
Comment: This sequence change creates a premature translational stop signal (p.Cys2652Valfs*30) in the EYS gene. It is expected to result in an absent or disrupted protein product. Loss-of-function variants in EYS are known to be pathogenic (PMID: 18836446, 20333770). This variant is not present in population databases (gnomAD no frequency). This variant has not been reported in the literature in individuals affected with EYS-related conditions. For these reasons, this variant has been classified as Pathogenic.

Literature cited by the submitters: PubMed 18836446; PubMed 20333770.

NM_001142800.2(EYS):c.7953del (p.Cys2652fs)

Gene: EYS (EGF-like photoreceptor maintenance factor; minus strand). Cytogenetic location: 6q12.
Variant type: Deletion.
Coding change: c.7953del on transcript NM_001142800.2 (MANE Select); coding-DNA position 7953, one base deleted (C; older notation c.7953delC).
Protein change: p.Cys2652fs; shifts the reading frame from cysteine 2652.
Molecular consequence: frameshift variant.
Genome position (GRCh38, 1-based): chr6:63,762,579, G deleted on the plus strand (C on the coding strand, the reverse complement: EYS is on the minus strand); the first of 2 consecutive G bases (chr6:63,762,579-63,762,580); deleting either gives the same sequence. VCF-style (leftmost placement, unchanged base first): chr6-63762578-AG-A. GRCh37 (hg19) VCF-style: chr6-64472471-AG-A.
Other names: c.7953del, p.Cys2652fs (NM_001292009.2); short protein forms C2652fs.
Identifiers: ClinVar variation 2694813 (VCV002694813.3), dbSNP rs2533486890, ClinGen allele CA2697553509.
Genomic context (GRCh38, chr6:63,762,578, plus strand): 5'-GTAATGAAATGCAGGTTGCTCCTCTGCTACAGTGGTGTGGAGGGTCATGTTCAGGATCAC[AG>A]GTAGAAACTGTCTCTGTGCAGAATGATCCTTTCCACCCAGTGGTACAATTGCAGCTGTGG-3'